The following is an entry in ClinVar:

NM_000257.4(MYH7):c.2642T>C (p.Leu881Pro)

Genes: MYH7 (myosin heavy chain 7; minus strand), LOC126861898 (BRD4-independent group 4 enhancer GRCh37_chr14:23893609-23894808; plus strand). Cytogenetic location: 14q11.2.
Variant type: single nucleotide variant.
Coding change: c.2642T>C on transcript NM_000257.4 (MANE Select); coding-DNA position 2642, T replaced by C.
Protein change: p.Leu881Pro; replaces leucine 881 with proline.
Molecular consequence: missense variant.
Genome position (GRCh38, 1-based): chr14:23,424,806, A>G on the plus strand (T>C on the coding strand, the complement: MYH7 is on the minus strand). VCF-style: chr14-23424806-A-G. GRCh37 (hg19) VCF-style: chr14-23894015-A-G.
Other names: short protein forms L881P.
Identifiers: ClinVar variation 577527 (VCV000577527.10), dbSNP rs1566531303, ClinGen allele CA389047910.
Genomic context (GRCh38, chr14:23,424,806, plus strand): 5'-CAACAGTAGCCCAGGAGCCTCACCGCCTGCACTTGGAGCTGCAGGTCATTCTTCTCCTGC[A>G]GCAGGGACACCATCTTCTCCTCCAGCTCCTTGCGGCGAGCCTCGGACTTCTCTAGCGCCT-3'
Protein context (NP_000248.2, residues 871-891): KELEEKMVSL[Leu881Pro]QEKNDLQLQV

ClinVar aggregate classification (germline): Conflicting classifications of pathogenicity. Review status: criteria provided, conflicting classifications (1 of 4 stars). 2 submissions from 2 submitters: Likely pathogenic (1); Uncertain significance (1). Last evaluated 2021-10-25.

Conditions:
Hypertrophic cardiomyopathy 1 (CMH1). Also called: MYH7-Related Familial Hypertrophic Cardiomyopathy; Familial hypertrophic cardiomyopathy 1. Identifiers: MedGen C3495498, MONDO:0008647, OMIM 192600.
Hypertrophic cardiomyopathy. Also called: HYPERTROPHIC MYOCARDIOPATHY. Identifiers: Orphanet 217569, MedGen C0007194, MeSH D002312, MONDO:0005045, HP:0001639.

Submissions (2):

MGZ Medical Genetics Center
Classification: Likely pathogenic for Hypertrophic cardiomyopathy 1. Last evaluated: 2021-10-25. Review status: criteria provided, single submitter. Criteria: ACMG Guidelines, 2015. Collection method: clinical testing. Allele origin: germline. Affected: yes. Observed: 1 variant allele.
Comment: ACMG criteria applied: PS3_MOD, PM1, PM2_SUP, PP2, PP3

Labcorp Genetics (formerly Invitae), Labcorp
Classification: Uncertain significance for Hypertrophic cardiomyopathy. Last evaluated: 2018-03-07. Review status: criteria provided, single submitter. Criteria: Invitae Variant Classification Sherloc (09022015). Collection method: clinical testing. Allele origin: germline.
Comment: This variant is found within a region of MYH7 between codons 181 and 937 that contains the majority of the myosin head domain. Missense variants in this region have been shown to be significantly overrepresented in individuals with hypertrophic cardiomyopathy (PMID: 27532257). This variant has not been reported in the literature in individuals with MYH7-related disease. This sequence change replaces leucine with proline at codon 881 of the MYH7 protein (p.Leu881Pro). The leucine residue is highly conserved and there is a moderate physicochemical difference between leucine and proline. This variant is not present in population databases (ExAC no frequency). A computational algorithm designed to assess the pathogenicity of variants in MYH7 with regard to hypertrophic cardiomyopathy predicted this sequence change to be deleterious. The algorithm has a sensitivity of 94% and a specificity of 89% (PMID: 21310275). In summary, the available evidence is currently insufficient to determine the role of this variant in disease. Therefore, it has been classified as a Variant of Uncertain Significance.

Literature cited by the submitters: PubMed 27532257 (cited by Labcorp Genetics (formerly Invitae), Labcorp); PubMed 21310275 (cited by Labcorp Genetics (formerly Invitae), Labcorp).